The following is an entry in ClinVar:

ClinVar aggregate classification (germline): Pathogenic (1 of 4 stars; one submission).

Submission:

Labcorp Genetics (formerly Invitae), Labcorp
Classification: Pathogenic. Last evaluated: 2022-12-29. Review status: criteria provided, single submitter. Criteria: Invitae Variant Classification Sherloc (09022015). Collection method: clinical testing. Allele origin: germline.
Comment: This sequence change creates a premature translational stop signal (p.Leu691*) in the CDHR1 gene. While this is not anticipated to result in nonsense mediated decay, it is expected to disrupt the last 169 amino acid(s) of the CDHR1 protein. Information on the frequency of this variant in the gnomAD database is not available, as this variant may be reported differently in the database. This variant has not been reported in the literature in individuals affected with CDHR1-related conditions. This variant disrupts a region of the CDHR1 protein in which other variant(s) (p.Gly703Valfs*138) have been determined to be pathogenic (PMID: 32141364; Invitae). This suggests that this is a clinically significant region of the protein, and that variants that disrupt it are likely to be disease-causing. For these reasons, this variant has been classified as Pathogenic.

Literature cited by the submitters: PubMed 32141364.

NM_033100.4(CDHR1):c.2071_2072delinsTA (p.Leu691Ter)

Gene: CDHR1 (cadherin related family member 1; plus strand). Cytogenetic location: 10q23.1.
Variant type: Indel.
Coding change: c.2071_2072delinsTA on transcript NM_033100.4 (MANE Select); coding-DNA positions 2071 to 2072, CT replaced by TA.
Protein change: p.Leu691Ter; replaces leucine 691 with a stop codon.
Molecular consequence: nonsense. On other transcripts: intron variant (1).
Genome position (GRCh38, 1-based): chr10:84,214,112-84,214,113, CT replaced by TA. VCF-style: chr10-84214112-CT-TA. GRCh37 (hg19) VCF-style: chr10-85973868-CT-TA.
Other names: c.2040+764_2040+765delinsTA (NM_001171971.3); short protein forms L691*.
Identifiers: ClinVar variation 2821048 (VCV002821048.3), dbSNP rs2492548156, ClinGen allele CA2739275855.